The following is an entry in ClinVar:

NM_000329.3(RPE65):c.858+1G>C

Gene: RPE65 (retinoid isomerohydrolase RPE65; minus strand). Cytogenetic location: 1p31.3.
Variant type: single nucleotide variant.
Coding change: c.858+1G>C on transcript NM_000329.3 (MANE Select); the canonical splice donor site of the intron after coding-DNA position 858, G replaced by C.
Molecular consequence: splice donor variant.
Genome position (GRCh38, 1-based): chr1:68,439,190, C>G on the plus strand (G>C on the coding strand, the complement: RPE65 is on the minus strand). VCF-style: chr1-68439190-C-G. GRCh37 (hg19) VCF-style: chr1-68904873-C-G.
Other names: c.582+1G>C (NM_001406857.1, NM_001406856.1); c.750+1G>C (NM_001406853.1); c.858+1G>C (NM_001406859.1).
Identifiers: ClinVar variation 2937597 (VCV002937597.3), dbSNP rs61752899, ClinGen allele CA340745358.

ClinVar aggregate classification (germline): Pathogenic (1 of 4 stars; one submission).

Conditions:
Leber congenital amaurosis 2 (LCA2). Also called: AMAUROSIS CONGENITA OF LEBER II; Autosomal Recessive RPE65-Related Retinal Degeneration. Identifiers: Orphanet 65, MedGen C1859844, MONDO:0008765, OMIM 204100. Disease mechanism: loss of function.
Retinitis pigmentosa 20 (RP20). Identifiers: Orphanet 791, MedGen C3151086, MONDO:0013425, OMIM 613794.

Submission:

Labcorp Genetics (formerly Invitae), Labcorp
Classification: Pathogenic for Leber congenital amaurosis 2; Retinitis pigmentosa 20. Last evaluated: 2023-02-21. Review status: criteria provided, single submitter. Criteria: Invitae Variant Classification Sherloc (09022015). Collection method: clinical testing. Allele origin: germline.
Comment: Algorithms developed to predict the effect of sequence changes on RNA splicing suggest that this variant may disrupt the consensus splice site. For these reasons, this variant has been classified as Pathogenic. Disruption of this splice site has been observed in individual(s) with autosomal recessive RPE65-related conditions (PMID: 9326941). It has also been observed to segregate with disease in related individuals. This variant is not present in population databases (gnomAD no frequency). This sequence change affects a donor splice site in intron 8 of the RPE65 gene. It is expected to disrupt RNA splicing. Variants that disrupt the donor or acceptor splice site typically lead to a loss of protein function (PMID: 16199547), and loss-of-function variants in RPE65 are known to be pathogenic (PMID: 9326941, 9501220, 9843205, 18632300).

Literature cited by the submitters: PubMed 9326941; PubMed 16199547; PubMed 9501220; PubMed 9843205; PubMed 18632300.